The following is an entry in ClinVar:

ClinVar aggregate classification (germline): Uncertain significance. Review status: criteria provided, multiple submitters, no conflicts (2 of 4 stars). 2 submissions from 2 submitters: Uncertain significance (2). Last evaluated 2026-09-17.

Conditions:
TTN-related disorder. Also called: TTN-related disorders; TTN-related condition; TTN-related disease.
Cardiovascular phenotype. Identifiers: MedGen CN230736.

Allele frequency attached by ClinVar (database versions not stated): ExAC 0.00001; gnomAD 0.00003; TOPMed 0.00004; gnomAD exomes below 0.00001.
gnomAD v4.1: 6 of 1,613,714 alleles (0.00037%); highest among the groups gnomAD compares: African/African-American, 0.008%; no homozygotes.

Submissions (2):

PreventionGenetics, part of Exact Sciences
Classification: Uncertain significance for TTN-related condition. Last evaluated: 2026-09-17. Review status: criteria provided, single submitter. Criteria: ACMG Guidelines, 2015. Collection method: clinical testing. Allele origin: germline.
Comment: The TTN c.13342G>A variant is predicted to result in the amino acid substitution p.Ala4448Thr. To our knowledge, this variant has not been reported in the literature. This variant is reported in 0.0065% of alleles in individuals of African descent in gnomAD. At this time, the clinical significance of this variant is uncertain due to the absence of conclusive functional and genetic evidence.

Ambry Genetics
Classification: Uncertain significance for Cardiovascular phenotype. Last evaluated: 2019-08-22. Review status: criteria provided, single submitter. Criteria: Ambry Variant Classification Scheme 2023. Collection method: clinical testing. Allele origin: germline.
Comment: The p.A4085T variant (also known as c.12253G>A), located in coding exon 44 of the TTN gene, results from a G to A substitution at nucleotide position 12253. The alanine at codon 4085 is replaced by threonine, an amino acid with similar properties. This amino acid position is poorly conserved in available vertebrate species. In addition, this alteration is predicted to be tolerated by in silico analysis. Since supporting evidence is limited at this time, the clinical significance of this alteration remains unclear.

NM_001267550.2(TTN):c.13342G>A (p.Ala4448Thr)

Gene: TTN (titin; minus strand). Cytogenetic location: 2q31.2.
Variant type: single nucleotide variant.
Coding change: c.13342G>A on transcript NM_001267550.2 (MANE Select); coding-DNA position 13342, G replaced by A.
Protein change: p.Ala4448Thr; replaces alanine 4448 with threonine.
Molecular consequence: missense variant. On other transcripts: intron variant (1).
Genome position (GRCh38, 1-based): chr2:178,739,891, C>T on the plus strand (G>A on the coding strand, the complement: TTN is on the minus strand). VCF-style: chr2-178739891-C-T. GRCh37 (hg19) VCF-style: chr2-179604618-C-T.
Other names: c.12391G>A, p.Ala4131Thr (NM_001256850.1); c.12253G>A, p.Ala4085Thr (NM_003319.4); c.12628G>A, p.Ala4210Thr (NM_133432.3); c.12829G>A, p.Ala4277Thr (NM_133437.4); c.10361-1531G>A (NM_133378.4); short protein forms A4085T, A4131T, A4277T, A4448T, A4210T.
Identifiers: ClinVar variation 1754015 (VCV001754015.3), dbSNP rs752334587, ClinGen allele CA2002593.
Genomic context (GRCh38, chr2:178,739,891, plus strand): 5'-TAGCCATTTGAGGATCAACATCTTCAATAATGATGGTTACTTCTTCTGTTACAGACTTTG[C>T]CGAAGTAACAAGGTACATGCACATGATGTGTCTGGGCTCTTGGGTGATGTTTACAGCCTC-3'
Protein context (NP_001254479.2, residues 4438-4458): HIMCMYLVTS[Ala4448Thr]KSVTEEVTII